The following is an entry in ClinVar:

ClinVar aggregate classification (germline): Likely benign. Review status: criteria provided, multiple submitters, no conflicts (2 of 4 stars). 4 submissions from 4 submitters: Likely benign (4). Last evaluated 2023-10-01.

Conditions:
Catecholaminergic polymorphic ventricular tachycardia (CVPT). Also called: Catecholamine-induced polymorphic ventricular tachycardia. Identifiers: Orphanet 3286, MedGen C5574922, MONDO:0017990.
Cardiovascular phenotype. Identifiers: MedGen CN230736.
Cardiomyopathy (CMYO). Also called: Cardiomyopathies. Identifiers: Orphanet 167848, MedGen C0878544, MONDO:0004994, HP:0001638. Inheritance: Various modes of inheritance.

Allele frequency attached by ClinVar (database versions not stated): TOPMed below 0.00001; gnomAD exomes 0.00001 and 0.00003; gnomAD 0.00002; ExAC 0.00012; 1000 Genomes Project 30x 0.00016; 1000 Genomes Project 0.00020.
gnomAD v4.1: 18 of 1,447,284 alleles (0.0012%); highest among the groups gnomAD compares: South Asian, 0.022%; no homozygotes.

Submissions (4):

CeGaT Center for Human Genetics Tuebingen
Classification: Likely benign. Last evaluated: 2023-10-01. Review status: criteria provided, single submitter. Criteria: CeGaT Center For Human Genetics Tuebingen Variant Classification Criteria Version 2. Collection method: clinical testing. Allele origin: germline. Affected: yes. Observed: 2 variant alleles.
Comment: RYR2: BP4, BP7

Color Diagnostics, LLC DBA Color Health
Classification: Likely benign for Cardiomyopathy. Last evaluated: 2022-11-06. Review status: criteria provided, single submitter. Criteria: ACMG Guidelines, 2015. Collection method: clinical testing. Allele origin: germline.

Labcorp Genetics (formerly Invitae), Labcorp
Classification: Likely benign for Catecholaminergic polymorphic ventricular tachycardia 1. Last evaluated: 2021-08-14. Review status: criteria provided, single submitter. Criteria: Invitae Variant Classification Sherloc (09022015). Collection method: clinical testing. Allele origin: germline.

Ambry Genetics
Classification: Likely benign for Cardiovascular phenotype. Last evaluated: 2016-09-09. Review status: criteria provided, single submitter. Criteria: Ambry Variant Classification Scheme 2023. Collection method: clinical testing. Allele origin: germline.

NM_001035.3(RYR2):c.1779T>C (p.His593=)

Gene: RYR2 (ryanodine receptor 2; plus strand). Cytogenetic location: 1q43.
Variant type: single nucleotide variant.
Coding change: c.1779T>C on transcript NM_001035.3 (MANE Select); coding-DNA position 1779, T replaced by C.
Protein change: p.His593=; no amino-acid change (histidine 593 retained).
Molecular consequence: synonymous variant.
Genome position (GRCh38, 1-based): chr1:237,491,876, T>C. VCF-style: chr1-237491876-T-C. GRCh37 (hg19) VCF-style: chr1-237655176-T-C.
Identifiers: ClinVar variation 1583466 (VCV001583466.37), dbSNP rs551327128, ClinGen allele CA085888.